The following is an entry in ClinVar:

ClinVar aggregate classification (germline): Pathogenic (1 of 4 stars; one submission).

Conditions:
Tuberous sclerosis syndrome (TSC). Also called: Tuberous sclerosis; Tuberous Sclerosis Complex. Identifiers: Orphanet 805, MedGen C0041341, MONDO:0001734.

Submission:

Laboratory for Molecular Medicine, Mass General Brigham Personalized Medicine
Classification: Pathogenic for Tuberous sclerosis syndrome. Last evaluated: 2018-06-26. Review status: criteria provided, single submitter. Criteria: ACMG Guidelines, 2015. Collection method: clinical testing. Allele origin: germline. Inheritance: Autosomal dominant inheritance.
Comment: The c.1264-1G>C variant in TSC1 has not been reported in individuals with tuberous sclerosis (TSC) or in large population studies. This variant occurs in the invariant region (+/- 1,2) of the splice consensus sequence and is predicted to cause altered splicing leading to an abnormal or absent protein. Another nucleotide change at this position (c.1264-1G>A) has been reported in two families with TSC (Tuberous sclerosis databse - LOVD), supporting that variation at position c.1264-1 leads to loss of TSC1 function. Heterozygous loss-of-function of the TSC1 gene is an established disease mechanism in individuals with tuberous sclerosis. In summary, this variant meets criteria to be classified as pathogenic for tuberous sclerosis in an autosomal dominant manner based upon the predicted impact to the protein. ACMG/AMP Criteria applied: PVS1; PM5; PM2.

NM_000368.5(TSC1):c.1264-1G>C

Gene: TSC1 (TSC complex subunit 1; minus strand). Cytogenetic location: 9q34.13.
Variant type: single nucleotide variant.
Coding change: c.1264-1G>C on transcript NM_000368.5 (MANE Select); the canonical splice acceptor site of the intron before coding-DNA position 1264, G replaced by C.
Molecular consequence: splice acceptor variant.
Genome position (GRCh38, 1-based): chr9:132,907,371, C>G on the plus strand (G>C on the coding strand, the complement: TSC1 is on the minus strand). VCF-style: chr9-132907371-C-G. GRCh37 (hg19) VCF-style: chr9-135782758-C-G.
Other names: c.898-1G>C (NM_001406620.1, NM_001406625.1, NM_001406621.1 and 2 more transcripts); c.901-1G>C (NM_001406618.1, NM_001406617.1, NM_001406619.1 and 5 more transcripts); c.1108-1G>C (NM_001406613.1, NM_001406612.1, NM_001406611.1); c.1111-1G>C (NM_001406610.1, NM_001162427.2); c.310-1G>C (NM_001406627.1, NM_001406628.1); c.211-1G>C (NM_001406629.1, NM_001406630.1); c.1261-1G>C (NM_001406603.1, NM_001406609.1, NM_001406597.1 and 6 more transcripts); c.1264-1G>C (NM_001406602.1, NM_001406606.1, NM_001406592.1 and 7 more transcripts); and 1 more.
Identifiers: ClinVar variation 3076056 (VCV003076056.1), dbSNP rs1554816432, ClinGen allele CA375366234.